The following is an entry in ClinVar:

NM_144997.7(FLCN):c.526A>G (p.Met176Val)

Gene: FLCN (folliculin; minus strand). Cytogenetic location: 17p11.2.
Variant type: single nucleotide variant.
Coding change: c.526A>G on transcript NM_144997.7 (MANE Select); coding-DNA position 526, A replaced by G.
Protein change: p.Met176Val; replaces methionine 176 with valine.
Molecular consequence: missense variant.
Genome position (GRCh38, 1-based): chr17:17,224,014, T>C on the plus strand (A>G on the coding strand, the complement: FLCN is on the minus strand). VCF-style: chr17-17224014-T-C. GRCh37 (hg19) VCF-style: chr17-17127328-T-C.
Other names: c.580A>G, p.Met194Val (NM_001353229.2); c.526A>G, p.Met176Val (NM_001353230.2, NM_001353231.2, NM_144606.7); short protein forms M176V, M194V.
Identifiers: ClinVar variation 1746483 (VCV001746483.5), dbSNP rs2144976195, ClinGen allele CA398534363.

ClinVar aggregate classification (germline): Uncertain significance. Review status: criteria provided, multiple submitters, no conflicts (2 of 4 stars). 2 submissions from 2 submitters: Uncertain significance (2). Last evaluated 2024-12-06.

Conditions:
Birt-Hogg-Dube syndrome. Also called: Birt Hogg Dubé syndrome. Identifiers: Orphanet 122, MedGen C0346010, MONDO:0800444.
Hereditary cancer-predisposing syndrome. Also called: Neoplastic Syndromes, Hereditary; Tumor predisposition; Hereditary Cancer Syndrome; Hereditary neoplastic syndrome. Identifiers: Orphanet 140162, MedGen C0027672, MeSH D009386, MONDO:0015356.

Submissions (2):

Labcorp Genetics (formerly Invitae), Labcorp
Classification: Uncertain significance for Birt-Hogg-Dube syndrome. Last evaluated: 2024-12-06. Review status: criteria provided, single submitter. Criteria: Invitae Variant Classification Sherloc (09022015). Collection method: clinical testing. Allele origin: germline.
Comment: This sequence change replaces methionine, which is neutral and non-polar, with valine, which is neutral and non-polar, at codon 176 of the FLCN protein (p.Met176Val). This variant is not present in population databases (gnomAD no frequency). This variant has not been reported in the literature in individuals affected with FLCN-related conditions. ClinVar contains an entry for this variant (Variation ID: 1746483). Invitae Evidence Modeling of protein sequence and biophysical properties (such as structural, functional, and spatial information, amino acid conservation, physicochemical variation, residue mobility, and thermodynamic stability) indicates that this missense variant is expected to disrupt FLCN protein function with a positive predictive value of 80%. In summary, the available evidence is currently insufficient to determine the role of this variant in disease. Therefore, it has been classified as a Variant of Uncertain Significance.

Ambry Genetics
Classification: Uncertain significance for Hereditary cancer-predisposing syndrome. Last evaluated: 2024-05-21. Review status: criteria provided, single submitter. Criteria: Ambry Variant Classification Scheme 2023. Collection method: clinical testing. Allele origin: germline.
Comment: The p.M176V variant (also known as c.526A>G), located in coding exon 3 of the FLCN gene, results from an A to G substitution at nucleotide position 526. The methionine at codon 176 is replaced by valine, an amino acid with highly similar properties. This amino acid position is not well conserved in available vertebrate species. In addition, the in silico prediction for this alteration is inconclusive. Based on the available evidence, the clinical significance of this variant remains unclear.